The following is an entry in ClinVar:

ClinVar aggregate classification (germline): Conflicting classifications of pathogenicity. Review status: criteria provided, conflicting classifications (1 of 4 stars). 15 submissions from 15 submitters: Uncertain significance (1); Benign (6); Likely benign (5). 3 of the submissions do not count toward it. Last evaluated 2026-06-01.

Conditions:
Hereditary spastic paraplegia. Also called: Familial spastic paraparesis. Identifiers: Orphanet 685, MedGen C0037773, MONDO:0019064. Disease mechanism: loss of function.
Amyotrophic lateral sclerosis (ALS). Also called: Lou Gehrig disease; Charcot disease. Identifiers: Orphanet 803, MedGen C0002736, MONDO:0004976, HP:0007354.
Hereditary spastic paraplegia 11. Also called: SPASTIC PARAPLEGIA, AUTOSOMAL RECESSIVE, COMPLICATED, WITH THIN CORPUS CALLOSUM; SPASTIC PARAPLEGIA, AUTOSOMAL RECESSIVE, WITH MENTAL IMPAIRMENT AND THIN CORPUS CALLOSUM; Spastic Paraplegia 11; Nakamura Osame syndrome; Autosomal recessive hereditary spastic paraplegia, mental impairment, and thin corpus callosum; Spastic paraplegia, mental retardation and thin corpus callosum. Identifiers: Orphanet 2822, MedGen C1858479, MONDO:0011445, OMIM 604360.

Allele frequency attached by ClinVar (database versions not stated): gnomAD exomes 0.00117 and 0.00305; ExAC 0.00381; gnomAD 0.01184 and 0.01253; ESP Exome Variant Server 0.01278; TOPMed 0.01345; 1000 Genomes Project 0.01538; 1000 Genomes Project 30x 0.01640.
gnomAD v4.1: 3,583 of 1,614,190 alleles (0.22%); highest among the groups gnomAD compares: African/African-American, 4.2%; 87 homozygotes.

Submissions (15):

CeGaT Center for Human Genetics Tuebingen
Classification: Benign. Last evaluated: 2026-06-01. Review status: criteria provided, single submitter. Criteria: CeGaT Center For Human Genetics Tuebingen Variant Classification Criteria Version 2. Collection method: clinical testing. Allele origin: germline. Affected: yes. Observed: 9 variant alleles.
Comment: SPG11: BP4, BS1, BS2

Labcorp Genetics (formerly Invitae), Labcorp
Classification: Benign for Hereditary spastic paraplegia 11. Last evaluated: 2026-01-31. Review status: criteria provided, single submitter. Criteria: Invitae Variant Classification Sherloc (09022015). Collection method: clinical testing. Allele origin: germline.

Women's Health and Genetics/Laboratory Corporation of America, LabCorp
Classification: Likely benign. Last evaluated: 2022-02-18. Review status: criteria provided, single submitter. Criteria: LabCorp Variant Classification Summary - May 2015. Collection method: clinical testing. Allele origin: germline.

UM ALS/MND Lab, University Of Malta
Classification: Uncertain significance for Amyotrophic lateral sclerosis. Last evaluated: 2020-09-09. Review status: criteria provided, single submitter. Criteria: ACMG Guidelines, 2015. Collection method: case-control. Allele origin: unknown. Affected: yes. Observed: 1 variant allele.
Comment: Single heterozygote

Genome Diagnostics Laboratory, The Hospital for Sick Children
Classification: Likely benign for Hereditary spastic paraplegia. Last evaluated: 2020-04-01. Review status: criteria provided, single submitter. Criteria: ACMG Guidelines, 2015. Collection method: clinical testing. Allele origin: germline. Affected: yes.

Mendelics
Classification: Likely benign for Hereditary spastic paraplegia 11. Last evaluated: 2019-05-28. Review status: criteria provided, single submitter. Criteria: Mendelics Assertion Criteria 2017. Collection method: clinical testing. Allele origin: unknown.

Mayo Clinic Laboratories, Mayo Clinic
Classification: Benign. Last evaluated: 2018-08-24. Review status: criteria provided, single submitter. Criteria: ACMG Guidelines, 2015. Collection method: clinical testing. Allele origin: germline. Observed: 9 variant alleles.

Athena Diagnostics
Classification: Benign. Last evaluated: 2018-08-01. Review status: criteria provided, single submitter. Criteria: Athena Diagnostics Criteria. Collection method: clinical testing. Allele origin: germline.

GeneDx
Classification: Benign. Last evaluated: 2017-07-06. Review status: criteria provided, single submitter. Criteria: GeneDx Variant Classification (06012015). Collection method: clinical testing. Allele origin: germline. Affected: yes.
Comment: This variant is considered likely benign or benign based on one or more of the following criteria: it is a conservative change, it occurs at a poorly conserved position in the protein, it is predicted to be benign by multiple in silico algorithms, and/or has population frequency not consistent with disease.

Center for Pediatric Genomic Medicine, Children's Mercy Hospital and Clinics
Classification: Benign. Last evaluated: 2017-05-03. Review status: criteria provided, single submitter. Criteria: ACMG Guidelines, 2015. Collection method: clinical testing. Allele origin: germline.

Illumina Laboratory Services, Illumina
Classification: Likely benign for Hereditary spastic paraplegia 11. Last evaluated: 2017-04-27. Review status: criteria provided, single submitter. Criteria: ICSL Variant Classification Criteria 13 December 2019. Collection method: clinical testing. Allele origin: germline.
Comment: This variant was observed as part of a predisposition screen in an ostensibly healthy population. A literature search was performed for the gene, cDNA change, and amino acid change (where applicable). Publications were found based on this search. The evidence from the literature, in combination with allele frequency data from public databases where available, was sufficient to determine this variant is unlikely to cause disease. Therefore, this variant is classified as likely benign.

Genome Diagnostics Laboratory, University Medical Center Utrecht
Classification: Likely benign for Hereditary spastic paraplegia 11. Last evaluated: 2016-01-18. Review status: criteria provided, single submitter. Criteria: ACGS Guidelines, 2013. Collection method: clinical testing. Allele origin: germline. Affected: yes. Study: VKGL Data-share Consensus.

Genome Diagnostics Laboratory, Amsterdam University Medical Center
Classification: Likely benign for Hereditary spastic paraplegia 11. Last evaluated: 2016-12-02. Review status: no assertion criteria provided. Criteria: ACGS Guidelines, 2013. Collection method: clinical testing. Allele origin: germline. Affected: yes. Study: VKGL Data-share Consensus. Not counted in ClinVar's aggregate classification.

Clinical Genetics, Academic Medical Center
Classification: Benign. Review status: no assertion criteria provided. Collection method: clinical testing. Allele origin: germline. Affected: yes. Study: VKGL Data-share Consensus. Not counted in ClinVar's aggregate classification.

Joint Genome Diagnostic Labs from Nijmegen and Maastricht, Radboudumc and MUMC+
Classification: Benign. Review status: no assertion criteria provided. Collection method: clinical testing. Allele origin: germline. Affected: yes. Study: VKGL Data-share Consensus. Not counted in ClinVar's aggregate classification.

Literature cited by the submitters: PubMed 18337587 (cited by Athena Diagnostics); PubMed 22696581 (cited by Athena Diagnostics and Illumina Laboratory Services, Illumina); PubMed 27884173 (cited by Athena Diagnostics).

NM_025137.4(SPG11):c.7256A>G (p.Lys2419Arg)

Gene: SPG11 (SPG11 vesicle trafficking associated, spatacsin; minus strand). Cytogenetic location: 15q21.1.
Variant type: single nucleotide variant.
Coding change: c.7256A>G on transcript NM_025137.4 (MANE Select); coding-DNA position 7256, A replaced by G.
Protein change: p.Lys2419Arg; replaces lysine 2419 with arginine.
Molecular consequence: missense variant.
Genome position (GRCh38, 1-based): chr15:44,563,197, T>C on the plus strand (A>G on the coding strand, the complement: SPG11 is on the minus strand). VCF-style: chr15-44563197-T-C. GRCh37 (hg19) VCF-style: chr15-44855395-T-C.
Other names: p.Lys2419Arg; c.6917A>G, p.Lys2306Arg (NM_001160227.2); short protein forms K2419R, K2306R.
Identifiers: ClinVar variation 241599 (VCV000241599.55), dbSNP rs76116949, ClinGen allele CA7533839.
Genomic context (GRCh38, chr15:44,563,197, plus strand): 5'-TCCTTTAGACAGCAACCTGTCTGAGGGTCCTTCAGAAGCACATTTACAATTTCATAAAAC[T>C]TGTGTTCGTATGCCAACTTGTAATACAGGTAAACATCTTCACAATATGTGAGTAATTTCT-3'
Protein context (NP_079413.3, residues 2409-2429): YLYYKLAYEH[Lys2419Arg]FYEIVNVLLK